The following is an entry in ClinVar:

ClinVar aggregate classification (germline): Conflicting classifications of pathogenicity. Review status: criteria provided, conflicting classifications (1 of 4 stars). 9 submissions from 8 submitters: Uncertain significance (6); Benign (2); Likely benign (1). Last evaluated 2025-11-09.

Conditions:
Autosomal dominant nonsyndromic hearing loss 17. Also called: Deafness, autosomal dominant 17; Autosomal dominant nonsyndromic deafness 17. Identifiers: Orphanet 90635, MedGen C1863659, MONDO:0011350, OMIM 603622.
Proteinuria. Identifiers: MedGen C0033687, MONDO:0003634, HP:0000093.
MYH9-related disorder. Identifiers: MedGen C1854520.
Macrothrombocytopenia and granulocyte inclusions with or without nephritis or sensorineural hearing loss (MATINS). Also called: BLEEDING DISORDER, PLATELET-TYPE, 6; SEBASTIAN PLATELET SYNDROME; MACROTHROMBOCYTOPENIA WITH DISPERSED LEUKOCYTIC INCLUSIONS; MACROTHROMBOCYTOPENIA, NEPHRITIS, AND DEAFNESS; MACROTHROMBOCYTOPENIA, NEPHRITIS, DEAFNESS, AND LEUKOCYTE INCLUSIONS; ALPORT SYNDROME WITH MACROTHROMBOCYTOPENIA. Identifiers: Orphanet 182050, MedGen C5200934, MONDO:0015912, OMIM 155100.

Allele frequency attached by ClinVar (database versions not stated): ExAC 0.00002; gnomAD exomes 0.00002; TOPMed 0.00006; ESP Exome Variant Server 0.00008; gnomAD 0.00009.
gnomAD v4.1: 50 of 1,613,440 alleles (0.0031%); highest among the groups gnomAD compares: African/African-American, 0.023%; no homozygotes.

Submissions (9):

Mayo Clinic Laboratories, Mayo Clinic
Classification: Uncertain significance. Last evaluated: 2025-11-09. Review status: criteria provided, single submitter. Criteria: ACMG Guidelines, 2015. Collection method: clinical testing. Allele origin: germline. Observed: 1 variant allele.
Comment: BS1, PP2

Blueprint Genetics
Classification: Likely benign. Last evaluated: 2024-10-28. Review status: criteria provided, single submitter. Criteria: ACMG Guidelines, 2015. Collection method: clinical testing. Allele origin: germline.

Labcorp Genetics (formerly Invitae), Labcorp
Classification: Benign. Last evaluated: 2024-09-02. Review status: criteria provided, single submitter. Criteria: Invitae Variant Classification Sherloc (09022015). Collection method: clinical testing. Allele origin: germline.

Fulgent Genetics
Classification: Uncertain significance for Macrothrombocytopenia and granulocyte inclusions with or without nephritis or sensorineural hearing loss; Autosomal dominant nonsyndromic hearing loss 17. Last evaluated: 2024-06-24. Review status: criteria provided, single submitter. Criteria: ACMG Guidelines, 2015. Collection method: clinical testing. Allele origin: germline.

GeneDx
Classification: Uncertain significance. Last evaluated: 2023-04-14. Review status: criteria provided, single submitter. Criteria: GeneDx Variant Classification Process June 2021. Collection method: clinical testing. Allele origin: germline. Affected: yes.
Comment: In silico analysis supports that this missense variant has a deleterious effect on protein structure/function; Has not been previously published as pathogenic or benign to our knowledge

UNC Molecular Genetics  Laboratory, University of North Carolina at Chapel Hill
Classification: Uncertain significance for Proteinuria. Last evaluated: 2022-03-03. Review status: criteria provided, single submitter. Criteria: ACMG Guidelines, 2015. Collection method: clinical testing. Allele origin: germline. Affected: yes. Observed: 1 heterozygote.

Genetic Services Laboratory, University of Chicago
Classification: Uncertain significance. Last evaluated: 2018-03-29. Review status: criteria provided, single submitter. Criteria: ACMG Guidelines, 2015. Collection method: clinical testing. Allele origin: germline. Affected: no.

Illumina Laboratory Services, Illumina
Classification: Uncertain significance for Autosomal dominant nonsyndromic hearing loss 17. Last evaluated: 2018-01-13. Review status: criteria provided, single submitter. Criteria: ICSL Variant Classification Criteria 13 December 2019. Collection method: clinical testing. Allele origin: germline.

Illumina Laboratory Services, Illumina
Classification: Benign for MYH9-related disorder. Last evaluated: 2018-01-13. Review status: criteria provided, single submitter. Criteria: ICSL Variant Classification Criteria 13 December 2019. Collection method: clinical testing. Allele origin: germline.
Comment: This variant was observed in the ICSL laboratory as part of a predisposition screen in an ostensibly healthy population. It had not been previously curated by ICSL or reported in the Human Gene Mutation Database (HGMD: prior to June 1st, 2018), and was therefore a candidate for classification through an automated scoring system. Utilizing variant allele frequency, disease prevalence and penetrance estimates, and inheritance mode, an automated score was calculated to assess if this variant is too frequent to cause the disease. Based on the score and internal cut-off values, a variant classified as benign is not then subjected to further curation. The score for this variant resulted in a classification of benign for this disease.

NM_002473.6(MYH9):c.4817C>T (p.Ser1606Leu)

Gene: MYH9 (myosin heavy chain 9; minus strand). Cytogenetic location: 22q12.3.
Variant type: single nucleotide variant.
Coding change: c.4817C>T on transcript NM_002473.6 (MANE Select); coding-DNA position 4817, C replaced by T.
Protein change: p.Ser1606Leu; replaces serine 1606 with leucine.
Molecular consequence: missense variant.
Genome position (GRCh38, 1-based): chr22:36,288,367, G>A on the plus strand (C>T on the coding strand, the complement: MYH9 is on the minus strand). VCF-style: chr22-36288367-G-A. GRCh37 (hg19) VCF-style: chr22-36684413-G-A.
Other names: p.Ser1606Leu; short protein forms S1606L.
Identifiers: ClinVar variation 903427 (VCV000903427.15), dbSNP rs145319741, ClinGen allele CA10209280.